The following is an entry in ClinVar:

NM_004187.5(KDM5C):c.2185G>T (p.Val729Phe)

Gene: KDM5C (lysine demethylase 5C; minus strand). Cytogenetic location: Xp11.22.
Variant type: single nucleotide variant.
Coding change: c.2185G>T on transcript NM_004187.5 (MANE Select); coding-DNA position 2185, G replaced by T.
Protein change: p.Val729Phe; replaces valine 729 with phenylalanine.
Molecular consequence: missense variant. On other transcripts: non-coding transcript variant (3).
Genome position (GRCh38, 1-based): chrX:53,199,035, C>A on the plus strand (G>T on the coding strand, the complement: KDM5C is on the minus strand). VCF-style: chrX-53199035-C-A. GRCh37 (hg19) VCF-style: chrX-53228217-C-A.
Other names: c.1984G>T, p.Val662Phe (NM_001146702.2); c.2182G>T, p.Val728Phe (NM_001282622.3, NM_001353979.2, NM_001353982.2); c.2185G>T, p.Val729Phe (NM_001353978.3, NM_001353981.2, NM_001353984.2); short protein forms V662F, V728F, V729F.
Identifiers: ClinVar variation 3370113 (VCV003370113.1).
Genomic context (GRCh38, chrX:53,199,035, plus strand): 5'-ACCGCAGGTACTGCCGGCTACTGGAGCACTTGCAGAGATCATTGATGTGGGAAAGGCAGA[C>A]AAGGCCGTCTGGGCAGTCGTAGCAGGCCAGGGCTGACAGGAAACACGTAGTCTTGCACTT-3'
Protein context (NP_004178.2, residues 719-739): LACYDCPDGL[Val729Phe]CLSHINDLCK

ClinVar aggregate classification (germline): Uncertain significance (1 of 4 stars; one submission).

Submission:

GeneDx
Classification: Uncertain significance. Last evaluated: 2023-12-19. Review status: criteria provided, single submitter. Criteria: GeneDx Variant Classification Process June 2021. Collection method: clinical testing. Allele origin: germline. Affected: yes.
Comment: Not observed at significant frequency in large population cohorts (gnomAD); In silico analysis supports that this missense variant has a deleterious effect on protein structure/function; Has not been previously published as pathogenic or benign to our knowledge